The following is an entry in ClinVar:

NM_000390.4(CHM):c.1673C>G (p.Ser558Ter)

Gene: CHM (CHM Rab escort protein; minus strand). Cytogenetic location: Xq21.2.
Variant type: single nucleotide variant.
Coding change: c.1673C>G on transcript NM_000390.4 (MANE Select); coding-DNA position 1673, C replaced by G.
Protein change: p.Ser558Ter; replaces serine 558 with a stop codon.
Molecular consequence: nonsense.
Genome position (GRCh38, 1-based): chrX:85,873,149, G>C on the plus strand (C>G on the coding strand, the complement: CHM is on the minus strand). VCF-style: chrX-85873149-G-C. GRCh37 (hg19) VCF-style: chrX-85128154-G-C.
Other names: c.1229C>G, p.Ser410Ter (NM_001320959.1, NM_001362517.1, NM_001362518.2 and 1 more transcripts); short protein forms S410*, S558*.
Identifiers: ClinVar variation 4710815 (VCV004710815.1).

ClinVar aggregate classification (germline): Pathogenic (1 of 4 stars; one submission).

Submission:

Labcorp Genetics (formerly Invitae), Labcorp
Classification: Pathogenic. Last evaluated: 2025-01-28. Review status: criteria provided, single submitter. Criteria: Invitae Variant Classification Sherloc (09022015). Collection method: clinical testing. Allele origin: germline.
Comment: This sequence change creates a premature translational stop signal (p.Ser558*) in the CHM gene. It is expected to result in an absent or disrupted protein product. Loss-of-function variants in CHM are known to be pathogenic (PMID: 9067750, 23811034). This variant is not present in population databases (gnomAD no frequency). This premature translational stop signal has been observed in individual(s) with choroideremia (PMID: 30541579). For these reasons, this variant has been classified as Pathogenic.

Literature cited by the submitters: PubMed 9067750; PubMed 23811034; PubMed 30541579.